The following is an entry in ClinVar:

ClinVar aggregate classification (germline): Pathogenic. Review status: reviewed by expert panel (3 of 4 stars). 6 submissions from 6 submitters: Pathogenic (1). 5 of the submissions do not count toward it. Last evaluated 2016-10-18.

Conditions:
Hereditary cancer-predisposing syndrome. Also called: Hereditary Cancer Syndrome; Neoplastic Syndromes, Hereditary; Hereditary neoplastic syndrome; Tumor predisposition. Identifiers: Orphanet 140162, MedGen C0027672, MeSH D009386, MONDO:0015356.
Hereditary breast ovarian cancer syndrome. Also called: Hereditary breast and ovarian cancer syndrome (HBOC); Breast and ovarian cancer; Hereditary breast and ovarian cancer syndrome; Hereditary breast and ovarian cancer; BRCA1- and BRCA2-Associated Hereditary Breast and Ovarian Cancer; Hereditary breast and/or ovarian cancer syndrome. Identifiers: Orphanet 145, MedGen C0677776, MeSH D061325, MONDO:0003582. Disease mechanism: loss of function.
Breast-ovarian cancer, familial, susceptibility to, 1 (BROVCA1). Also called: BRCA1 Hereditary Breast and Ovarian Cancer; OVARIAN CANCER, SUSCEPTIBILITY TO. Identifiers: Orphanet 145, MedGen C2676676, MONDO:0011450, OMIM 604370. Disease mechanism: loss of function.

Submissions (6):

Evidence-based Network for the Interpretation of Germline Mutant Alleles (ENIGMA)
Classification: Pathogenic for Breast-ovarian cancer, familial, susceptibility to, 1. Last evaluated: 2016-10-18. Review status: reviewed by expert panel. Criteria: ENIGMA BRCA1/2 Classification Criteria (2015). Collection method: curation. Allele origin: germline.
Comment: Variant allele predicted to encode a truncated non-functional protein.

Revvity Omics, Revvity
Classification: Likely pathogenic. Last evaluated: 2023-11-16. Review status: criteria provided, single submitter. Criteria: ACMG Guidelines, 2015. Collection method: clinical testing. Allele origin: germline. Not counted in ClinVar's aggregate classification.

Labcorp Genetics (formerly Invitae), Labcorp
Classification: Pathogenic for Hereditary breast ovarian cancer syndrome. Last evaluated: 2023-09-14. Review status: criteria provided, single submitter. Criteria: Invitae Variant Classification Sherloc (09022015). Collection method: clinical testing. Allele origin: germline. Not counted in ClinVar's aggregate classification.
Comment: ClinVar contains an entry for this variant (Variation ID: 266135). For these reasons, this variant has been classified as Pathogenic. This premature translational stop signal has been observed in individual(s) with high risk of breast and/or ovarian cancer (PMID: 29446198). This variant is not present in population databases (gnomAD no frequency). This sequence change creates a premature translational stop signal (p.Arg350Lysfs*5) in the BRCA1 gene. It is expected to result in an absent or disrupted protein product. Loss-of-function variants in BRCA1 are known to be pathogenic (PMID: 20104584).

Ambry Genetics
Classification: Pathogenic for Hereditary cancer-predisposing syndrome. Last evaluated: 2023-08-08. Review status: criteria provided, single submitter. Criteria: Ambry Variant Classification Scheme 2023. Collection method: clinical testing. Allele origin: germline. Not counted in ClinVar's aggregate classification.
Comment: The c.1049_1050delGA pathogenic mutation, located in coding exon 9 of the BRCA1 gene, results from a deletion of two nucleotides at nucleotide positions 1049 to 1050, causing a translational frameshift with a predicted alternate stop codon (p.R350Kfs*5). This variant is considered to be rare based on population cohorts in the Genome Aggregation Database (gnomAD). This alteration is expected to result in loss of function by premature protein truncation or nonsense-mediated mRNA decay. As such, this alteration is interpreted as a disease-causing mutation.

ARUP Laboratories, Molecular Genetics and Genomics, ARUP Laboratories
Classification: Pathogenic. Last evaluated: 2021-03-24. Review status: criteria provided, single submitter. Criteria: ARUP Molecular Germline Variant Investigation Process 2021. Collection method: clinical testing. Allele origin: germline. Not counted in ClinVar's aggregate classification.
Comment: The BRCA1 c.1049_1050delGA; p.Arg350LysfsTer5 variant (rs886039925) is reported in the literature in an individual being screened for hereditary breast and ovarian cancer (Rebbeck 2018). The variant is reported in the ClinVar database (Variation ID: 266135) but is absent from general population databases (Exome Variant Server, Genome Aggregation Database), indicating it is not a common polymorphism. This variant causes a frameshift by deleting 2 nucleotides, so it is predicted to result in a truncated protein or mRNA subject to nonsense-mediated decay. Based on available information, this variant is classified as pathogenic. References: Rebbeck TR et al. Mutational spectrum in a worldwide study of 29,700 families with BRCA1 or BRCA2 mutations. Hum Mutat. 2018 May;39(5):593-620. PMID: 29446198.

Consortium of Investigators of Modifiers of BRCA1/2 (CIMBA), c/o University of Cambridge
Classification: Pathogenic for Breast-ovarian cancer, familial, susceptibility to, 1. Last evaluated: 2015-10-02. Review status: criteria provided, single submitter. Criteria: CIMBA Mutation Classification guidelines May 2016. Collection method: clinical testing. Allele origin: germline. Not counted in ClinVar's aggregate classification.

Literature cited by the submitters: PubMed 29446198 (cited by Labcorp Genetics (formerly Invitae), Labcorp); PubMed 20104584 (cited by Labcorp Genetics (formerly Invitae), Labcorp).

NM_007294.4(BRCA1):c.1049_1050del (p.Arg350fs)

Gene: BRCA1 (BRCA1 DNA repair associated; minus strand). Cytogenetic location: 17q21.31.
Variant type: Microsatellite.
Coding change: c.1049_1050del on transcript NM_007294.4 (MANE Select); coding-DNA positions 1049 to 1050, 2 bases deleted (GA; older notation c.1049_1050delGA).
Protein change: p.Arg350fs; shifts the reading frame from arginine 350.
Molecular consequence: frameshift variant. On other transcripts: intron variant (137).
Genome position (GRCh38, 1-based): chr17:43,094,481-43,094,482, TC deleted on the plus strand (GA on the coding strand, the reverse complement: BRCA1 is on the minus strand); deleting any 2 consecutive bases within chr17:43,094,481-43,094,486 gives the same sequence; the c. name uses the placement nearest the transcript's 3' end. VCF-style (leftmost placement, unchanged base first): chr17-43094480-TTC-T. GRCh37 (hg19) VCF-style: chr17-41246497-TTC-T.
Other names: 1166delAG 354X; c.1049_1050del (NM_007294.3); c.836_837del, p.Arg279fs (NM_001407571.1, NM_001407897.1, NM_001407898.1 and 9 more transcripts); c.1049_1050del, p.Arg350fs (NM_001407581.1, NM_001407582.1, NM_001407583.1 and 30 more transcripts); c.1046_1047del, p.Arg349fs (NM_001407587.1, NM_001407590.1, NM_001407591.1 and 22 more transcripts); c.1040_1041del, p.Arg347fs (NM_001407646.1, NM_001407647.1); c.926_927del, p.Arg309fs (NM_001407648.1, NM_001407664.1, NM_001407665.1 and 19 more transcripts); c.923_924del, p.Arg308fs (NM_001407649.1, NM_001407670.1, NM_001407671.1 and 11 more transcripts); and 43 more; short protein forms R350fs, R303fs, R222fs, R238fs, R261fs, R302fs, R309fs, R262fs.
Identifiers: ClinVar variation 266135 (VCV000266135.22), dbSNP rs886039925, ClinGen allele CA10589969.